The following is an entry in ClinVar:

ClinVar aggregate classification (germline): Uncertain significance (1 of 4 stars; one submission).

Allele frequency attached by ClinVar (database versions not stated): ExAC 0.00001; gnomAD 0.00002; gnomAD exomes 0.00003; 1000 Genomes Project 30x 0.00016; 1000 Genomes Project 0.00020.

Submission:

Labcorp Genetics (formerly Invitae), Labcorp
Classification: Uncertain significance. Last evaluated: 2023-05-20. Review status: criteria provided, single submitter. Criteria: Invitae Variant Classification Sherloc (09022015). Collection method: clinical testing. Allele origin: germline.
Comment: In summary, the available evidence is currently insufficient to determine the role of this variant in disease. Therefore, it has been classified as a Variant of Uncertain Significance. Advanced modeling of protein sequence and biophysical properties (such as structural, functional, and spatial information, amino acid conservation, physicochemical variation, residue mobility, and thermodynamic stability) performed at Invitae indicates that this missense variant is not expected to disrupt DFNA5 protein function. This variant has not been reported in the literature in individuals affected with DFNA5-related conditions. This variant is present in population databases (rs145703422, gnomAD 0.006%). This sequence change replaces threonine, which is neutral and polar, with isoleucine, which is neutral and non-polar, at codon 91 of the DFNA5 protein (p.Thr91Ile).

NM_001127453.2(GSDME):c.272C>T (p.Thr91Ile)

Gene: GSDME (gasdermin E; minus strand). Cytogenetic location: 7p15.3.
Variant type: single nucleotide variant.
Coding change: c.272C>T on transcript NM_001127453.2 (MANE Select); coding-DNA position 272, C replaced by T.
Protein change: p.Thr91Ile; replaces threonine 91 with isoleucine.
Molecular consequence: missense variant. On other transcripts: 5 prime UTR variant (1).
Genome position (GRCh38, 1-based): chr7:24,744,694, G>A on the plus strand (C>T on the coding strand, the complement: GSDME is on the minus strand). VCF-style: chr7-24744694-G-A. GRCh37 (hg19) VCF-style: chr7-24784313-G-A.
Other names: c.-221C>T (NM_001127454.2); c.272C>T, p.Thr91Ile (NM_004403.3); short protein forms T91I.
Identifiers: ClinVar variation 2789753 (VCV002789753.3), dbSNP rs145703422, ClinGen allele CA4191784.